The following is an entry in ClinVar:

NM_001122681.2(SH3BP2):c.1496T>C (p.Val499Ala)

Gene: SH3BP2 (SH3 domain binding protein 2; plus strand). Cytogenetic location: 4p16.3.
Variant type: single nucleotide variant.
Coding change: c.1496T>C on transcript NM_001122681.2 (MANE Select); coding-DNA position 1496, T replaced by C.
Protein change: p.Val499Ala; replaces valine 499 with alanine.
Molecular consequence: missense variant.
Genome position (GRCh38, 1-based): chr4:2,832,997, T>C. VCF-style: chr4-2832997-T-C. GRCh37 (hg19) VCF-style: chr4-2834724-T-C.
Other names: c.1580T>C, p.Val527Ala (NM_001145855.2); c.1667T>C, p.Val556Ala (NM_001145856.2); c.1496T>C, p.Val499Ala (NM_003023.4); short protein forms V527A, V556A, V499A.
Identifiers: ClinVar variation 3662009 (VCV003662009.2).
Genomic context (GRCh38, chr4:2,832,997, plus strand): 5'-GCTGGTCCCGCTGTTTCTCAGGGAGCCGTCAGCCTCCCGCTTCCGTCCTGTAGGTCCTGG[T>C]TGTGTGGGACGAAACCTCTAACAAAGTGAGGAACTATCGCATTTTTGAGAAGGTGAGAGG-3'
Protein context (NP_001116153.1, residues 489-509): NSSTKSGKVL[Val499Ala]VWDETSNKVR

ClinVar aggregate classification (germline): Uncertain significance (1 of 4 stars; one submission).

Conditions:
Fibrous dysplasia of jaw (CRBM). Also called: Cherubism. Identifiers: Orphanet 184, MedGen C0008029, MONDO:0007315, OMIM 118400.

Submission:

Labcorp Genetics (formerly Invitae), Labcorp
Classification: Uncertain significance for Fibrous dysplasia of jaw. Last evaluated: 2024-08-12. Review status: criteria provided, single submitter. Criteria: Invitae Variant Classification Sherloc (09022015). Collection method: clinical testing. Allele origin: germline.
Comment: This sequence change replaces valine, which is neutral and non-polar, with alanine, which is neutral and non-polar, at codon 499 of the SH3BP2 protein (p.Val499Ala). This variant is not present in population databases (gnomAD no frequency). This variant has not been reported in the literature in individuals affected with SH3BP2-related conditions. Advanced modeling of protein sequence and biophysical properties (such as structural, functional, and spatial information, amino acid conservation, physicochemical variation, residue mobility, and thermodynamic stability) performed at Invitae indicates that this missense variant is not expected to disrupt SH3BP2 protein function with a negative predictive value of 80%. In summary, the available evidence is currently insufficient to determine the role of this variant in disease. Therefore, it has been classified as a Variant of Uncertain Significance.